The following is an entry in ClinVar:

NM_000419.5(ITGA2B):c.209C>T (p.Ala70Val)

Gene: ITGA2B (integrin subunit alpha 2b; minus strand). Cytogenetic location: 17q21.31.
Variant type: single nucleotide variant.
Coding change: c.209C>T on transcript NM_000419.5 (MANE Select); coding-DNA position 209, C replaced by T.
Protein change: p.Ala70Val; replaces alanine 70 with valine.
Molecular consequence: missense variant.
Genome position (GRCh38, 1-based): chr17:44,386,111, G>A on the plus strand (C>T on the coding strand, the complement: ITGA2B is on the minus strand). VCF-style: chr17-44386111-G-A. GRCh37 (hg19) VCF-style: chr17-42463479-G-A.
Other names: short protein forms A70V.
Identifiers: ClinVar variation 3013451 (VCV003013451.3), dbSNP rs2510085551, ClinGen allele CA399806504.
Genomic context (GRCh38, chr17:44,386,111, plus strand): 5'-CTCCAGGGGCACAGGAACACGCCGCCCGTCTCCTCCTGGCTGGGGCCCAGGGTCCGCGGG[G>A]CGCCCACCACGATGGCCACTCTGCATAGGAAAGCTGGGTGAGCGCCGCGCAGATTCCAGC-3'
Protein context (NP_000410.2, residues 60-80): SHGRVAIVVG[Ala70Val]PRTLGPSQEE

ClinVar aggregate classification (germline): Uncertain significance (1 of 4 stars; one submission).

Conditions:
Glanzmann thrombasthenia. Also called: THROMBASTHENIA OF GLANZMANN AND NAEGELI; BLEEDING DISORDER, PLATELET-TYPE, 2; Thrombasthenia; PLATELET GLYCOPROTEIN IIb-IIIa DEFICIENCY; Glanzmann's thrombasthenia. Identifiers: Orphanet 849, MedGen C0040015, MONDO:0100326.

gnomAD v4.1: 1 of 1,603,574 alleles (0.000062%); no homozygotes.

Submission:

Labcorp Genetics (formerly Invitae), Labcorp
Classification: Uncertain significance for Glanzmann thrombasthenia. Last evaluated: 2023-02-18. Review status: criteria provided, single submitter. Criteria: Invitae Variant Classification Sherloc (09022015). Collection method: clinical testing. Allele origin: germline.
Comment: This sequence change replaces alanine, which is neutral and non-polar, with valine, which is neutral and non-polar, at codon 70 of the ITGA2B protein (p.Ala70Val). In summary, the available evidence is currently insufficient to determine the role of this variant in disease. Therefore, it has been classified as a Variant of Uncertain Significance. Advanced modeling of protein sequence and biophysical properties (such as structural, functional, and spatial information, amino acid conservation, physicochemical variation, residue mobility, and thermodynamic stability) performed at Invitae indicates that this missense variant is expected to disrupt ITGA2B protein function. This variant has not been reported in the literature in individuals affected with ITGA2B-related conditions. This variant is not present in population databases (gnomAD no frequency).